The following is an entry in ClinVar:

ClinVar aggregate classification (germline): Uncertain significance. Review status: criteria provided, multiple submitters, no conflicts (2 of 4 stars). 3 submissions from 3 submitters: Uncertain significance (3). Last evaluated 2025-10-01.

Conditions:
Hereditary cancer-predisposing syndrome. Also called: Hereditary neoplastic syndrome; Tumor predisposition; Hereditary Cancer Syndrome; Neoplastic Syndromes, Hereditary. Identifiers: Orphanet 140162, MedGen C0027672, MeSH D009386, MONDO:0015356.
Tuberous sclerosis 2 (TSC2). Identifiers: Orphanet 805, MedGen C1860707, MONDO:0013199, OMIM 613254.

Submissions (3):

Ambry Genetics
Classification: Uncertain significance for Hereditary cancer-predisposing syndrome. Last evaluated: 2025-10-01. Review status: criteria provided, single submitter. Criteria: Ambry Variant Classification Scheme 2023. Collection method: clinical testing. Allele origin: germline.
Comment: The p.S1338L variant (also known as c.4013C>T), located in coding exon 33 of the TSC2 gene, results from a C to T substitution at nucleotide position 4013. The serine at codon 1338 is replaced by leucine, an amino acid with dissimilar properties. This amino acid position is highly conserved in available vertebrate species. In addition, this alteration is predicted to be deleterious by in silico analysis. Based on the available evidence, the clinical significance of this variant remains unclear.

GeneDx
Classification: Uncertain significance. Last evaluated: 2023-03-14. Review status: criteria provided, single submitter. Criteria: GeneDx Variant Classification Process June 2021. Collection method: clinical testing. Allele origin: germline. Affected: yes.
Comment: Not observed at significant frequency in large population cohorts (gnomAD); In silico analysis supports that this missense variant has a deleterious effect on protein structure/function; Has not been previously published as pathogenic or benign to our knowledge

Labcorp Genetics (formerly Invitae), Labcorp
Classification: Uncertain significance for Tuberous sclerosis 2. Last evaluated: 2023-02-25. Review status: criteria provided, single submitter. Criteria: Invitae Variant Classification Sherloc (09022015). Collection method: clinical testing. Allele origin: germline.
Comment: This variant is not present in population databases (gnomAD no frequency). In summary, the available evidence is currently insufficient to determine the role of this variant in disease. Therefore, it has been classified as a Variant of Uncertain Significance. Advanced modeling of protein sequence and biophysical properties (such as structural, functional, and spatial information, amino acid conservation, physicochemical variation, residue mobility, and thermodynamic stability) performed at Invitae indicates that this missense variant is not expected to disrupt TSC2 protein function. ClinVar contains an entry for this variant (Variation ID: 1426342). This variant has not been reported in the literature in individuals affected with TSC2-related conditions. This sequence change replaces serine, which is neutral and polar, with leucine, which is neutral and non-polar, at codon 1338 of the TSC2 protein (p.Ser1338Leu).

NM_000548.5(TSC2):c.4013C>T (p.Ser1338Leu)

Gene: TSC2 (TSC complex subunit 2; plus strand). Cytogenetic location: 16p13.3.
Variant type: single nucleotide variant.
Coding change: c.4013C>T on transcript NM_000548.5 (MANE Select); coding-DNA position 4013, C replaced by T.
Protein change: p.Ser1338Leu; replaces serine 1338 with leucine.
Molecular consequence: missense variant.
Genome position (GRCh38, 1-based): chr16:2,084,235, C>T. VCF-style: chr16-2084235-C-T. GRCh37 (hg19) VCF-style: chr16-2134236-C-T.
Other names: c.3812C>T, p.Ser1271Leu (NM_001077183.3); c.3944C>T, p.Ser1315Leu (NM_001114382.3); c.3704C>T, p.Ser1235Leu (NM_001318827.2); c.4013C>T (NM_000548.3); c.3668C>T, p.Ser1223Leu (NM_001318829.2); c.3281C>T, p.Ser1094Leu (NM_001318831.2); c.3845C>T, p.Ser1282Leu (NM_001318832.2); c.3815C>T, p.Ser1272Leu (NM_001363528.2); and 2 more; short protein forms S1235L, S1294L, S1223L, S1271L, S1094L, S1282L, S1315L, S1338L.
Identifiers: ClinVar variation 1426342 (VCV001426342.9), dbSNP rs2151520475, ClinGen allele CA394299153.